The following is an entry in ClinVar:

NM_001384732.1(CPLANE1):c.3748G>A (p.Ala1250Thr)

Gene: CPLANE1 (ciliogenesis and planar polarity effector complex subunit 1; minus strand). Cytogenetic location: 5p13.2.
Variant type: single nucleotide variant.
Coding change: c.3748G>A on transcript NM_001384732.1 (MANE Select); coding-DNA position 3748, G replaced by A.
Protein change: p.Ala1250Thr; replaces alanine 1250 with threonine.
Molecular consequence: missense variant.
Genome position (GRCh38, 1-based): chr5:37,195,921, C>T on the plus strand (G>A on the coding strand, the complement: CPLANE1 is on the minus strand). VCF-style: chr5-37195921-C-T. GRCh37 (hg19) VCF-style: chr5-37196023-C-T.
Other names: c.3748G>A, p.Ala1250Thr (NM_023073.4); short protein forms A1250T.
Identifiers: ClinVar variation 1958583 (VCV001958583.4), dbSNP rs752334335, ClinGen allele CA3238866.

ClinVar aggregate classification (germline): Uncertain significance (1 of 4 stars; one submission).

Allele frequency attached by ClinVar (database versions not stated): gnomAD 0.00002; gnomAD exomes 0.00002.
gnomAD v4.1: 34 of 1,612,704 alleles (0.0021%); highest among the groups gnomAD compares: South Asian, 0.0066%; no homozygotes.

Submission:

Labcorp Genetics (formerly Invitae), Labcorp
Classification: Uncertain significance. Last evaluated: 2022-06-19. Review status: criteria provided, single submitter. Criteria: Invitae Variant Classification Sherloc (09022015). Collection method: clinical testing. Allele origin: germline.
Comment: This variant has not been reported in the literature in individuals affected with CPLANE1-related conditions. This variant is present in population databases (rs752334335, gnomAD 0.03%). This sequence change replaces alanine, which is neutral and non-polar, with threonine, which is neutral and polar, at codon 1250 of the CPLANE1 protein (p.Ala1250Thr). Advanced modeling of protein sequence and biophysical properties (such as structural, functional, and spatial information, amino acid conservation, physicochemical variation, residue mobility, and thermodynamic stability) performed at Invitae indicates that this missense variant is not expected to disrupt CPLANE1 protein function. In summary, the available evidence is currently insufficient to determine the role of this variant in disease. Therefore, it has been classified as a Variant of Uncertain Significance.